The following is an entry in ClinVar:

NM_020964.3(EPG5):c.4429C>G (p.Pro1477Ala)

Gene: EPG5 (ectopic P-granules 5 autophagy tethering factor; minus strand). Cytogenetic location: 18q21.1.
Variant type: single nucleotide variant.
Coding change: c.4429C>G on transcript NM_020964.3 (MANE Select); coding-DNA position 4429, C replaced by G.
Protein change: p.Pro1477Ala; replaces proline 1477 with alanine.
Molecular consequence: missense variant.
Genome position (GRCh38, 1-based): chr18:45,904,018, G>C on the plus strand (C>G on the coding strand, the complement: EPG5 is on the minus strand). VCF-style: chr18-45904018-G-C. GRCh37 (hg19) VCF-style: chr18-43483983-G-C.
Other names: short protein forms P1477A.
Identifiers: ClinVar variation 1419781 (VCV001419781.7), dbSNP rs2049688459, ClinGen allele CA402338233.

ClinVar aggregate classification (germline): Uncertain significance (1 of 4 stars; one submission).

Conditions:
Vici syndrome (VICIS). Identifiers: Orphanet 1493, MedGen C1855772, MONDO:0009452, OMIM 242840.

gnomAD v4.1: 2 of 1,613,000 alleles (0.00012%); highest among the groups gnomAD compares: East Asian, 0.0045%; no homozygotes.

Submission:

Labcorp Genetics (formerly Invitae), Labcorp
Classification: Uncertain significance for Vici syndrome. Last evaluated: 2022-08-09. Review status: criteria provided, single submitter. Criteria: Invitae Variant Classification Sherloc (09022015). Collection method: clinical testing. Allele origin: germline.
Comment: In summary, the available evidence is currently insufficient to determine the role of this variant in disease. Therefore, it has been classified as a Variant of Uncertain Significance. Algorithms developed to predict the effect of sequence changes on RNA splicing suggest that this variant may create or strengthen a splice site. Algorithms developed to predict the effect of missense changes on protein structure and function output the following: SIFT: "Tolerated"; PolyPhen-2: "Benign"; Align-GVGD: "Class C0". The alanine amino acid residue is found in multiple mammalian species, which suggests that this missense change does not adversely affect protein function. ClinVar contains an entry for this variant (Variation ID: 1419781). This variant has not been reported in the literature in individuals affected with EPG5-related conditions. This variant is not present in population databases (gnomAD no frequency). This sequence change replaces proline, which is neutral and non-polar, with alanine, which is neutral and non-polar, at codon 1477 of the EPG5 protein (p.Pro1477Ala).